The following is an entry in ClinVar:

NM_004281.4(BAG3):c.1196G>A (p.Ser399Asn)

Gene: BAG3 (BAG cochaperone 3; plus strand). Cytogenetic location: 10q26.11.
Variant type: single nucleotide variant.
Coding change: c.1196G>A on transcript NM_004281.4 (MANE Select); coding-DNA position 1196, G replaced by A.
Protein change: p.Ser399Asn; replaces serine 399 with asparagine.
Molecular consequence: missense variant.
Genome position (GRCh38, 1-based): chr10:119,676,750, G>A. VCF-style: chr10-119676750-G-A. GRCh37 (hg19) VCF-style: chr10-121436262-G-A.
Other names: short protein forms S399N.
Identifiers: ClinVar variation 5032690 (VCV005032690.1).
Genomic context (GRCh38, chr10:119,676,750, plus strand): 5'-GCCCTTCTGCTGTCCCCTCTTCCCCCAAGAGTGTGGCTACAGAAGAGAGGGCAGCCCCCA[G>A]CACTGCCCCTGCAGAAGCTACACCTCCAAAACCAGGAGAAGCCGAGGCTCCCCCAAAACA-3'
Protein context (NP_004272.2, residues 389-409): SVATEERAAP[Ser399Asn]TAPAEATPPK

ClinVar aggregate classification (germline): Uncertain significance (1 of 4 stars; one submission).

Conditions:
Cardiovascular phenotype. Identifiers: MedGen CN230736.

Submission:

Ambry Genetics
Classification: Uncertain significance for Cardiovascular phenotype. Last evaluated: 2026-07-07. Review status: criteria provided, single submitter. Criteria: Ambry Variant Classification Scheme 2023. Collection method: clinical testing. Allele origin: germline.
Comment: The p.S399N variant (also known as c.1196G>A), located in coding exon 4 of the BAG3 gene, results from a G to A substitution at nucleotide position 1196. The serine at codon 399 is replaced by asparagine, an amino acid with highly similar properties. This amino acid position is conserved. In addition, this alteration is predicted to be tolerated by in silico analysis. Based on the available evidence, the clinical significance of this variant remains unclear.